The following is an entry in ClinVar:

ClinVar aggregate classification (germline): Uncertain significance (1 of 4 stars; one submission).

Conditions:
Inborn genetic diseases. Identifiers: MedGen C0950123, MeSH D030342.

Allele frequency attached by ClinVar (database versions not stated): gnomAD exomes 0.00001.

Submission:

Ambry Genetics
Classification: Uncertain significance for Inborn genetic diseases. Last evaluated: 2017-03-21. Review status: criteria provided, single submitter. Criteria: Ambry Variant Classification Scheme 2023. Collection method: clinical testing. Allele origin: germline.
Comment: The p.S361L variant (also known as c.1082C>T), located in coding exon 1 of the ARID1B gene, results from a C to T substitution at nucleotide position 1082. The serine at codon 361 is replaced by leucine, an amino acid with dissimilar properties. This amino acid position is not well conserved in available vertebrate species. In addition, this alteration is predicted to be tolerated by in silico analysis. Since supporting evidence is limited at this time, the clinical significance of this alteration remains unclear.

NM_001374828.1(ARID1B):c.1331C>T (p.Ser444Leu)

Gene: ARID1B (AT-rich interaction domain 1B; plus strand). Cytogenetic location: 6q25.3.
Variant type: single nucleotide variant.
Coding change: c.1331C>T on transcript NM_001374828.1 (MANE Select); coding-DNA position 1331, C replaced by T.
Protein change: p.Ser444Leu; replaces serine 444 with leucine.
Molecular consequence: missense variant.
Genome position (GRCh38, 1-based): chr6:156,779,011, C>T. VCF-style: chr6-156779011-C-T. GRCh37 (hg19) VCF-style: chr6-157100145-C-T.
Other names: c.1082C>T, p.Ser361Leu (NM_020732.3); c.1331C>T, p.Ser444Leu (NM_001371656.1, NM_001374820.1, NM_017519.3); short protein forms S361L, S444L.
Identifiers: ClinVar variation 587789 (VCV000587789.5), dbSNP rs867510345, ClinGen allele CA150802773.